The following is an entry in ClinVar:

ClinVar aggregate classification (germline): Uncertain significance (1 of 4 stars; one submission).

Conditions:
KMT2E-related disorder. Also called: KMT2E-related condition.

gnomAD v4.1: 5 of 1,605,276 alleles (0.00031%); highest among the groups gnomAD compares: East Asian, 0.0022%; no homozygotes.

Submission:

PreventionGenetics, part of Exact Sciences
Classification: Uncertain significance for KMT2E-related condition. Last evaluated: 2026-08-26. Review status: criteria provided, single submitter. Criteria: ACMG Guidelines, 2015. Collection method: clinical testing. Allele origin: germline.
Comment: The KMT2E c.3442C>T variant is predicted to result in the amino acid substitution p.Pro1148Ser. To our knowledge, this variant has not been reported in the literature or in a large population database (gnomAD), indicating this variant is rare. At this time, the clinical significance of this variant is uncertain due to the absence of conclusive functional and genetic evidence.

NM_182931.3(KMT2E):c.3442C>T (p.Pro1148Ser)

Gene: KMT2E (lysine methyltransferase 2E (inactive); plus strand). Cytogenetic location: 7q22.3.
Variant type: single nucleotide variant.
Coding change: c.3442C>T on transcript NM_182931.3 (MANE Select); coding-DNA position 3442, C replaced by T.
Protein change: p.Pro1148Ser; replaces proline 1148 with serine.
Molecular consequence: missense variant.
Genome position (GRCh38, 1-based): chr7:105,107,899, C>T. VCF-style: chr7-105107899-C-T. GRCh37 (hg19) VCF-style: chr7-104748346-C-T.
Other names: c.3442C>T, p.Pro1148Ser (NM_001410908.1, NM_018682.4); short protein forms P1148S.
Identifiers: ClinVar variation 4978181 (VCV004978181.1).